The following is an entry in ClinVar:

ClinVar aggregate classification (germline): Conflicting classifications of pathogenicity. Review status: criteria provided, conflicting classifications (1 of 4 stars). 5 submissions from 5 submitters: Likely pathogenic (3); Uncertain significance (2). Last evaluated 2026-06-02.

Conditions:
Marfan syndrome (MFS). Also called: MARFAN SYNDROME, TYPE I; FBN1-Related Marfan Syndrome; Marfan syndrome type 1; Marfan's syndrome; Marfan syndrome, classic. Identifiers: Orphanet 284963, Orphanet 558, MedGen C0024796, MONDO:0007947, OMIM 154700.
Familial thoracic aortic aneurysm and aortic dissection (TAAD). Also called: Thoracic aortic aneurysms and dissections. Identifiers: Orphanet 91387, MedGen C4707243, MONDO:0019625.

Allele frequency attached by ClinVar (database versions not stated): gnomAD exomes below 0.00001; ExAC 0.00001.

Submissions (5):

Ambry Genetics
Classification: Uncertain significance for Familial thoracic aortic aneurysm and aortic dissection. Last evaluated: 2026-06-02. Review status: criteria provided, single submitter. Criteria: Ambry Variant Classification Scheme 2023. Collection method: clinical testing. Allele origin: germline.
Comment: The p.N2461K variant (also known as c.7383C>G), located in coding exon 59 of the FBN1 gene, results from a C to G substitution at nucleotide position 7383. The asparagine at codon 2461 is replaced by lysine, an amino acid with similar properties. This variant was reported in individual(s) with features consistent with aortic aneurysm or dissection (external communication). This variant alters a conserved residue in the calcium-binding consensus sequence of a cbEGF domain and is expected to disrupt FBN1 function (Handford PA et al. Nature. 1991; 351(6322):164-7). This amino acid position is highly conserved in available vertebrate species. In addition, the in silico prediction for this alteration is inconclusive. Based on the available evidence, the clinical significance of this alteration remains unclear.

GeneDx
Classification: Likely pathogenic. Last evaluated: 2025-07-15. Review status: criteria provided, single submitter. Criteria: GeneDx Variant Classification Process June 2021. Collection method: clinical testing. Allele origin: germline.
Comment: Not observed at significant frequency in large population cohorts (gnomAD); In silico analysis supports that this missense variant has a deleterious effect on protein structure/function; Has not been previously published as pathogenic or benign to our knowledge; This variant is associated with the following publications: (PMID: 20591885)

Labcorp Genetics (formerly Invitae), Labcorp
Classification: Likely pathogenic for Marfan syndrome; Familial thoracic aortic aneurysm and aortic dissection. Last evaluated: 2024-11-13. Review status: criteria provided, single submitter. Criteria: Invitae Variant Classification Sherloc (09022015). Collection method: clinical testing. Allele origin: germline.
Comment: This sequence change replaces asparagine, which is neutral and polar, with lysine, which is basic and polar, at codon 2461 of the FBN1 protein (p.Asn2461Lys). This variant is present in population databases (rs754047254, gnomAD 0.007%). This missense change has been observed in individual(s) with thoracic aortic aneurysm and dissection (internal data). ClinVar contains an entry for this variant (Variation ID: 495645). Invitae Evidence Modeling of protein sequence and biophysical properties (such as structural, functional, and spatial information, amino acid conservation, physicochemical variation, residue mobility, and thermodynamic stability) indicates that this missense variant is expected to disrupt FBN1 protein function with a positive predictive value of 95%. This variant disrupts the p.Asn2461 amino acid residue in FBN1. Other variant(s) that disrupt this residue have been observed in individuals with FBN1-related conditions (PMID: 19293843, 26787436), which suggests that this may be a clinically significant amino acid residue. In summary, the currently available evidence indicates that the variant is pathogenic, but additional data are needed to prove that conclusively. Therefore, this variant has been classified as Likely Pathogenic.

Women's Health and Genetics/Laboratory Corporation of America, LabCorp
Classification: Uncertain significance. Last evaluated: 2024-04-01. Review status: criteria provided, single submitter. Criteria: LabCorp Variant Classification Summary - May 2015. Collection method: clinical testing. Allele origin: germline.
Comment: Variant summary: FBN1 c.7383C>G (p.Asn2461Lys) results in a non-conservative amino acid change located in the EGF-like domain (IPR000742) of the encoded protein sequence. Four of five in-silico tools predict a damaging effect of the variant on protein function. The variant allele was found at a frequency of 4e-06 in 251284 control chromosomes. The available data on variant occurrences in the general population are insufficient to allow any conclusion about variant significance. To our knowledge, no occurrence of c.7383C>G in individuals affected with Marfan Syndrome and no experimental evidence demonstrating its impact on protein function have been reported. ClinVar contains an entry for this variant (Variation ID: 495645). Based on the evidence outlined above, the variant was classified as uncertain significance.

ARUP Laboratories, Molecular Genetics and Genomics, ARUP Laboratories
Classification: Likely pathogenic. Last evaluated: 2019-12-07. Review status: criteria provided, single submitter. Criteria: ARUP Molecular Germline Variant Investigation Process. Collection method: clinical testing. Allele origin: germline.
Comment: The FBN1 c.7383C>G; p.Asn2461Lys variant (rs754047254), to our knowledge, is not reported in the medical literature but is reported in the LOVD database (see link). This variant is reported in ClinVar (Variation ID: 495645), and is only observed on one allele in the Genome Aggregation Database, indicating it is not a common polymorphism. The asparagine at codon 2461 is highly conserved, and computational analyses (SIFT: damaging, PolyPhen-2: benign) predict conflicting effects of this variant on protein structure/function. However, this asparagine residue is located in the conserved residues of an EGF consensus sequence, which is a common mechanism of pathogenicity (Wu 1995). Additionally, other variants at this codon (c.7381A>C; p.Asn2461His; c.7382A>C; p.Asn2461Thr) have been reported in individuals with Marfan syndrome (Franken 2016, Stheneur 2009). Based on available information, this variant is considered to be likely pathogenic. References: Link to LOVD: Franken R et al. Genotype impacts survival in Marfan syndrome. Eur Heart J. 2016 Nov 14;37(43):3285-3290. Stheneur C et al. Identification of the minimal combination of clinical features in probands for efficient mutation detection in the FBN1 gene. Eur J Hum Genet. 2009 Sep;17(9):1121-8. Wu YS et al. Fibrillin domain folding and calcium binding: significance to Marfan syndrome. Chem Biol. 1995 2(2):91-7.

Literature cited by the submitters: PubMed 19293843 (cited by Labcorp Genetics (formerly Invitae), Labcorp); PubMed 26787436 (cited by Labcorp Genetics (formerly Invitae), Labcorp).

NM_000138.5(FBN1):c.7383C>G (p.Asn2461Lys)

Gene: FBN1 (fibrillin 1; minus strand). Cytogenetic location: 15q21.1.
Variant type: single nucleotide variant.
Coding change: c.7383C>G on transcript NM_000138.5 (MANE Select); coding-DNA position 7383, C replaced by G.
Protein change: p.Asn2461Lys; replaces asparagine 2461 with lysine.
Molecular consequence: missense variant.
Genome position (GRCh38, 1-based): chr15:48,425,439, G>C on the plus strand (C>G on the coding strand, the complement: FBN1 is on the minus strand). VCF-style: chr15-48425439-G-C. GRCh37 (hg19) VCF-style: chr15-48717636-G-C.
Other names: short protein forms N2461K.
Identifiers: ClinVar variation 495645 (VCV000495645.24), dbSNP rs754047254, ClinGen allele CA058485.